The following is an entry in ClinVar:

NM_001278298.2(COL6A5):c.3256T>C (p.Phe1086Leu)

Gene: COL6A5 (collagen type VI alpha 5 chain; plus strand). Cytogenetic location: 3q22.1.
Variant type: single nucleotide variant.
Coding change: c.3256T>C on transcript NM_001278298.2 (MANE Select); coding-DNA position 3256, T replaced by C.
Protein change: p.Phe1086Leu; replaces phenylalanine 1086 with leucine.
Molecular consequence: missense variant. On other transcripts: non-coding transcript variant (1).
Genome position (GRCh38, 1-based): chr3:130,395,153, T>C. VCF-style: chr3-130395153-T-C. GRCh37 (hg19) VCF-style: chr3-130113996-T-C.
Other names: c.3256T>C (NM_153264.5); c.3256T>C, p.Phe1086Leu (NM_153264.7); short protein forms F1086L.
Identifiers: ClinVar variation 3354516 (VCV003354516.2).

ClinVar aggregate classification (germline): Likely benign. Review status: criteria provided, single submitter (1 of 4 stars). 2 submissions from 2 submitters: Likely benign (1). 1 of the submissions does not count toward it. Last evaluated 2025-11-24.

Conditions:
COL6A5-related disorder. Also called: COL6A5-related condition.

gnomAD v4.1: 431 of 1,551,692 alleles (0.028%); highest among the groups gnomAD compares: South Asian, 0.48%; 8 homozygotes.

Submissions (2):

Ambry Genetics
Classification: Likely benign. Last evaluated: 2025-11-24. Review status: criteria provided, single submitter. Criteria: Ambry Variant Classification Scheme 2023. Collection method: clinical testing. Allele origin: germline.

PreventionGenetics, part of Exact Sciences
Classification: Likely benign for COL6A5-related condition. Last evaluated: 2024-07-04. Review status: no assertion criteria provided. Collection method: clinical testing. Allele origin: germline. Not counted in ClinVar's aggregate classification.
Comment: This variant is classified as likely benign based on ACMG/AMP sequence variant interpretation guidelines (Richards et al. 2015 PMID: 25741868, with internal and published modifications).